The following is an entry in ClinVar:

NM_025114.4(CEP290):c.4931T>C (p.Leu1644Pro)

Gene: CEP290 (centrosomal protein 290; minus strand). Cytogenetic location: 12q21.32.
Variant type: single nucleotide variant.
Coding change: c.4931T>C on transcript NM_025114.4 (MANE Select); coding-DNA position 4931, T replaced by C.
Protein change: p.Leu1644Pro; replaces leucine 1644 with proline.
Molecular consequence: missense variant.
Genome position (GRCh38, 1-based): chr12:88,083,112, A>G on the plus strand (T>C on the coding strand, the complement: CEP290 is on the minus strand). VCF-style: chr12-88083112-A-G. GRCh37 (hg19) VCF-style: chr12-88476889-A-G.
Other names: short protein forms L1644P.
Identifiers: ClinVar variation 4993922 (VCV004993922.1).

ClinVar aggregate classification (germline): Uncertain significance (1 of 4 stars; one submission).

Conditions:
CEP290-related disorder. Also called: CEP290-related disorders; CEP290-related condition. Identifiers: MedGen CN239314.

Submission:

PreventionGenetics, part of Exact Sciences
Classification: Uncertain significance for CEP290-related condition. Last evaluated: 2025-12-19. Review status: criteria provided, single submitter. Criteria: ACMG Guidelines, 2015. Collection method: clinical testing. Allele origin: germline.
Comment: The CEP290 c.4931T>C variant is predicted to result in the amino acid substitution p.Leu1644Pro. To our knowledge, this variant has not been reported in the literature or in a large population database (gnomAD), indicating this variant is rare. At this time, the clinical significance of this variant is uncertain due to the absence of conclusive functional and genetic evidence.